The following is an entry in ClinVar:

NM_172351.3(CD46):c.52G>A (p.Gly18Arg)

Genes: CD46 (CD46 molecule; plus strand), LOC129932405 (ATAC-STARR-seq lymphoblastoid active region 2449; plus strand). Cytogenetic location: 1q32.2.
Variant type: single nucleotide variant.
Coding change: c.52G>A on transcript NM_172351.3 (MANE Select); coding-DNA position 52, G replaced by A.
Protein change: p.Gly18Arg; replaces glycine 18 with arginine.
Molecular consequence: missense variant.
Genome position (GRCh38, 1-based): chr1:207,752,264, G>A. VCF-style: chr1-207752264-G-A. GRCh37 (hg19) VCF-style: chr1-207925609-G-A.
Other names: c.52G>A, p.Gly18Arg (NM_002389.4, NM_153826.4, NM_172350.3 and 8 more transcripts); short protein forms G18R.
Identifiers: ClinVar variation 1953339 (VCV001953339.5), dbSNP rs760165779, ClinGen allele CA36665637.

ClinVar aggregate classification (germline): Uncertain significance (1 of 4 stars; one submission).

Submission:

Labcorp Genetics (formerly Invitae), Labcorp
Classification: Uncertain significance. Last evaluated: 2022-06-15. Review status: criteria provided, single submitter. Criteria: Invitae Variant Classification Sherloc (09022015). Collection method: clinical testing. Allele origin: germline.
Comment: In summary, the available evidence is currently insufficient to determine the role of this variant in disease. Therefore, it has been classified as a Variant of Uncertain Significance. Algorithms developed to predict the effect of missense changes on protein structure and function are either unavailable or do not agree on the potential impact of this missense change (SIFT: "Tolerated"; PolyPhen-2: "Probably Damaging"; Align-GVGD: "Class C0"). This variant has not been reported in the literature in individuals affected with CD46-related conditions. This variant is not present in population databases (gnomAD no frequency). This sequence change replaces glycine, which is neutral and non-polar, with arginine, which is basic and polar, at codon 18 of the CD46 protein (p.Gly18Arg).